The following is an entry in ClinVar:

NM_001083961.2(WDR62):c.2227C>T (p.His743Tyr)

Gene: WDR62 (WD repeat domain 62; plus strand). Cytogenetic location: 19q13.12.
Variant type: single nucleotide variant.
Coding change: c.2227C>T on transcript NM_001083961.2 (MANE Select); coding-DNA position 2227, C replaced by T.
Protein change: p.His743Tyr; replaces histidine 743 with tyrosine.
Molecular consequence: missense variant.
Genome position (GRCh38, 1-based): chr19:36,092,705, C>T. VCF-style: chr19-36092705-C-T. GRCh37 (hg19) VCF-style: chr19-36583607-C-T.
Other names: c.2227C>T, p.His743Tyr (NM_173636.5); short protein forms H743Y.
Identifiers: ClinVar variation 93537 (VCV000093537.14), dbSNP rs142313818, ClinGen allele CA221481.
Genomic context (GRCh38, chr19:36,092,705, plus strand): 5'-CTTACTCTTCCTCTGCCTTGTGTGTCTCTCTTTGACCTCCGCAGCTGCGTGTTCATCTGG[C>T]ACCTGGGCCCGGAGATCACCAACTGCATGAAGCAGCACTTGCTGGAGATTGACCACCGGC-3'
Protein context (NP_001077430.1, residues 733-753): VSGDSCVFIW[His743Tyr]LGPEITNCMK

ClinVar aggregate classification (germline): Uncertain significance. Review status: criteria provided, multiple submitters, no conflicts (2 of 4 stars). 4 submissions from 4 submitters: Uncertain significance (4). Last evaluated 2025-12-08.

Conditions:
Inborn genetic diseases. Identifiers: MedGen C0950123, MeSH D030342.
Microcephaly 2, primary, autosomal recessive, with or without cortical malformations. Also called: MICROCEPHALY 2, PRIMARY, AUTOSOMAL RECESSIVE, WITH CORTICAL MALFORMATIONS; WDR62 Primary Microcephaly. Identifiers: Orphanet 2512, MedGen C1858535, MONDO:0011435, OMIM 604317.

Allele frequency attached by ClinVar (database versions not stated): TOPMed 0.00004; ESP Exome Variant Server 0.00015; gnomAD exomes 0.00002; gnomAD 0.00004 and 0.00003; ExAC 0.00004.
gnomAD v4.1: 27 of 1,614,034 alleles (0.0017%); highest among the groups gnomAD compares: Non-Finnish European, 0.0023%; no homozygotes.

Submissions (4):

Labcorp Genetics (formerly Invitae), Labcorp
Classification: Uncertain significance. Last evaluated: 2025-12-08. Review status: criteria provided, single submitter. Criteria: Invitae Variant Classification Sherloc (09022015). Collection method: clinical testing. Allele origin: germline.
Comment: This sequence change replaces histidine, which is basic and polar, with tyrosine, which is neutral and polar, at codon 743 of the WDR62 protein (p.His743Tyr). This variant is present in population databases (rs142313818, gnomAD 0.006%). This variant has not been reported in the literature in individuals affected with WDR62-related conditions. ClinVar contains an entry for this variant (Variation ID: 93537). Invitae Evidence Modeling of protein sequence and biophysical properties (such as structural, functional, and spatial information, amino acid conservation, physicochemical variation, residue mobility, and thermodynamic stability) indicates that this missense variant is not expected to disrupt WDR62 protein function with a negative predictive value of 80%. In summary, the available evidence is currently insufficient to determine the role of this variant in disease. Therefore, it has been classified as a Variant of Uncertain Significance.

Ambry Genetics
Classification: Uncertain significance for Inborn genetic diseases. Last evaluated: 2025-06-10. Review status: criteria provided, single submitter. Criteria: Ambry Variant Classification Scheme 2023. Collection method: clinical testing. Allele origin: germline.

Illumina Laboratory Services, Illumina
Classification: Uncertain significance for Microcephaly 2, primary, autosomal recessive, with or without cortical malformations. Last evaluated: 2018-01-13. Review status: criteria provided, single submitter. Criteria: ICSL Variant Classification Criteria 13 December 2019. Collection method: clinical testing. Allele origin: germline.

Eurofins Ntd Llc (ga)
Classification: Uncertain significance. Last evaluated: 2017-01-09. Review status: criteria provided, single submitter. Criteria: EGL Classification Definitions 2015. Collection method: clinical testing. Allele origin: germline. Observed: 2 variant alleles, 2 heterozygotes.